The following is an entry in ClinVar:

NM_000256.3(MYBPC3):c.1819A>T (p.Thr607Ser)

Gene: MYBPC3 (myosin binding protein C3; minus strand). Cytogenetic location: 11p11.2.
Variant type: single nucleotide variant.
Coding change: c.1819A>T on transcript NM_000256.3 (MANE Select); coding-DNA position 1819, A replaced by T.
Protein change: p.Thr607Ser; replaces threonine 607 with serine.
Molecular consequence: missense variant.
Genome position (GRCh38, 1-based): chr11:47,341,216, T>A on the plus strand (A>T on the coding strand, the complement: MYBPC3 is on the minus strand). VCF-style: chr11-47341216-T-A. GRCh37 (hg19) VCF-style: chr11-47362767-T-A.
Other names: short protein forms T607S.
Identifiers: ClinVar variation 919297 (VCV000919297.4), dbSNP rs2095888220, ClinGen allele CA380323983.

ClinVar aggregate classification (germline): Uncertain significance (1 of 4 stars; one submission).

Conditions:
Cardiomyopathy (CMYO). Also called: Cardiomyopathies. Identifiers: Orphanet 167848, MedGen C0878544, MONDO:0004994, HP:0001638. Inheritance: Various modes of inheritance.

Submission:

Color Diagnostics, LLC DBA Color Health
Classification: Uncertain significance for Cardiomyopathy. Last evaluated: 2024-03-06. Review status: criteria provided, single submitter. Criteria: ACMG Guidelines, 2015. Collection method: clinical testing. Allele origin: germline.
Comment: This missense variant replaces threonine with serine at codon 607 of the MYBPC3 protein. Computational prediction suggests that this variant may not impact protein structure and function (internally defined REVEL score threshold <= 0.5, PMID: 27666373). Splice site prediction tools suggest that this variant may not impact RNA splicing. To our knowledge, functional studies have not been performed for this variant. This variant has not been reported in individuals affected with cardiovascular disorders in the literature. This variant has not been identified in the general population by the Genome Aggregation Database (gnomAD). The available evidence is insufficient to determine the role of this variant in disease conclusively. Therefore, this variant is classified as a Variant of Uncertain Significance.